The following is an entry in ClinVar:

ClinVar aggregate classification (germline): Uncertain significance. Review status: criteria provided, multiple submitters, no conflicts (2 of 4 stars). 2 submissions from 2 submitters: Uncertain significance (2). Last evaluated 2024-01-12.

Conditions:
Kleefstra syndrome 1 (KLEFS1). Identifiers: Orphanet 261494, MedGen C0795833, MONDO:0027407, OMIM 610253.

gnomAD v4.1: 1 of 1,613,260 alleles (0.000062%); highest among the groups gnomAD compares: Middle Eastern, 0.017%; no homozygotes.

Submissions (2):

Women's Health and Genetics/Laboratory Corporation of America, LabCorp
Classification: Uncertain significance. Last evaluated: 2024-01-12. Review status: criteria provided, single submitter. Criteria: LabCorp Variant Classification Summary - May 2015. Collection method: clinical testing. Allele origin: germline.
Comment: Variant summary: EHMT1 c.339C>G (p.Asp113Glu) results in a conservative amino acid change in the encoded protein sequence. Five of five in-silico tools predict a benign effect of the variant on protein function. The variant was absent in 250954 control chromosomes. The available data on variant occurrences in the general population are insufficient to allow any conclusion about variant significance. To our knowledge, no occurrence of c.339C>G in individuals affected with Kleefstra Syndrome 1 and no experimental evidence demonstrating its impact on protein function have been reported. ClinVar contains an entry for this variant (Variation ID: 999831). Based on the evidence outlined above, the variant was classified as uncertain significance.

Labcorp Genetics (formerly Invitae), Labcorp
Classification: Uncertain significance for Kleefstra syndrome 1. Last evaluated: 2023-05-23. Review status: criteria provided, single submitter. Criteria: Invitae Variant Classification Sherloc (09022015). Collection method: clinical testing. Allele origin: germline.
Comment: In summary, the available evidence is currently insufficient to determine the role of this variant in disease. Therefore, it has been classified as a Variant of Uncertain Significance. Algorithms developed to predict the effect of missense changes on protein structure and function output the following: SIFT: "Not Available"; PolyPhen-2: "Benign"; Align-GVGD: "Not Available". The glutamic acid amino acid residue is found in multiple mammalian species, which suggests that this missense change does not adversely affect protein function. ClinVar contains an entry for this variant (Variation ID: 999831). This variant has not been reported in the literature in individuals affected with EHMT1-related conditions. This variant is not present in population databases (gnomAD no frequency). This sequence change replaces aspartic acid, which is acidic and polar, with glutamic acid, which is acidic and polar, at codon 113 of the EHMT1 protein (p.Asp113Glu).

NM_024757.5(EHMT1):c.339C>G (p.Asp113Glu)

Gene: EHMT1 (euchromatic histone lysine methyltransferase 1; plus strand). Cytogenetic location: 9q34.3.
Variant type: single nucleotide variant.
Coding change: c.339C>G on transcript NM_024757.5 (MANE Select); coding-DNA position 339, C replaced by G.
Protein change: p.Asp113Glu; replaces aspartic acid 113 with glutamic acid.
Molecular consequence: missense variant.
Genome position (GRCh38, 1-based): chr9:137,716,879, C>G. VCF-style: chr9-137716879-C-G. GRCh37 (hg19) VCF-style: chr9-140611331-C-G.
Other names: c.339C>G, p.Asp113Glu (NM_001145527.2, NM_001354263.2, NM_001354611.2); c.246C>G, p.Asp82Glu (NM_001354259.2, NM_001354612.2); short protein forms D113E, D82E.
Identifiers: ClinVar variation 999831 (VCV000999831.10), dbSNP rs1455743308, ClinGen allele CA375764469.